The following is an entry in ClinVar:

ClinVar aggregate classification (germline): Uncertain significance (1 of 4 stars; one submission).

Allele frequency attached by ClinVar (database versions not stated): gnomAD exomes below 0.00001.
gnomAD v4.1: 3 of 1,543,304 alleles (0.00019%); highest among the groups gnomAD compares: East Asian, 0.0074%; no homozygotes.

Submission:

Labcorp Genetics (formerly Invitae), Labcorp
Classification: Uncertain significance. Last evaluated: 2020-10-04. Review status: criteria provided, single submitter. Criteria: Invitae Variant Classification Sherloc (09022015). Collection method: clinical testing. Allele origin: germline.
Comment: In summary, the available evidence is currently insufficient to determine the role of this variant in disease. Therefore, it has been classified as a Variant of Uncertain Significance. Algorithms developed to predict the effect of missense changes on protein structure and function are either unavailable or do not agree on the potential impact of this missense change (SIFT: "Tolerated"; PolyPhen-2: "Possibly Damaging"; Align-GVGD: "Class C0"). This variant has not been reported in the literature in individuals with C1QTNF5-related conditions. The frequency data for this variant in the population databases is considered unreliable, as metrics indicate insufficient coverage at this position in the ExAC database. This sequence change replaces asparagine with aspartic acid at codon 22 of the C1QTNF5 protein (p.Asn22Asp). The asparagine residue is highly conserved and there is a small physicochemical difference between asparagine and aspartic acid.

NM_001278431.2(C1QTNF5):c.64A>G (p.Asn22Asp)

Genes: C1QTNF5 (C1q and TNF related 5; minus strand), MFRP (membrane frizzled-related protein; minus strand). Cytogenetic location: 11q23.3.
Variant type: single nucleotide variant.
Coding change: c.64A>G on transcript NM_001278431.2 (MANE Select); coding-DNA position 64, A replaced by G.
Protein change: p.Asn22Asp; replaces asparagine 22 with aspartic acid.
Molecular consequence: missense variant. On other transcripts: 3 prime UTR variant (1).
Genome position (GRCh38, 1-based): chr11:119,340,334, T>C on the plus strand (A>G on the coding strand, the complement: C1QTNF5 is on the minus strand). VCF-style: chr11-119340334-T-C. GRCh37 (hg19) VCF-style: chr11-119211044-T-C.
Other names: c.64A>G, p.Asn22Asp (NM_015645.5); c.*960A>G (NM_031433.4); short protein forms N22D.
Identifiers: ClinVar variation 938454 (VCV000938454.9), dbSNP rs1950489495, ClinGen allele CA382970986.